The following is an entry in ClinVar:

ClinVar aggregate classification (germline): Uncertain significance. Review status: criteria provided, multiple submitters, no conflicts (2 of 4 stars). 2 submissions from 2 submitters: Uncertain significance (2). Last evaluated 2025-07-07.

Conditions:
Malignant hyperthermia, susceptibility to, 5 (MHS5). Also called: CACNA1S-Related Malignant Hyperthermia Susceptibility. Identifiers: Orphanet 423, MedGen C1866077, MONDO:0011163, OMIM 601887.
Hypokalemic periodic paralysis, type 1. Also called: Hypokalemic Periodic Paralysis Type 1 (AD); HypoPP. Identifiers: Orphanet 681, MedGen C3714580, MONDO:0042979, OMIM 170400.
Congenital myopathy 18. Also called: Myopathy, congenital, due to dihydropyridine receptor defect; DIHYDROPYRIDINE RECEPTOR CONGENITAL MYOPATHY; DHPR CONGENITAL MYOPATHY. Identifiers: MedGen C5830283, MONDO:0859514, OMIM 620246.
Thyrotoxic periodic paralysis, susceptibility to, 1 (TTPP1). Identifiers: Orphanet 79102, MedGen C2749982, MONDO:0008570, OMIM 188580.

gnomAD v4.1: 2 of 1,611,242 alleles (0.00012%); no homozygotes.

Submissions (2):

Color Diagnostics, LLC DBA Color Health
Classification: Uncertain significance for Malignant hyperthermia, susceptibility to, 5. Last evaluated: 2025-07-07. Review status: criteria provided, single submitter. Criteria: ACMG Guidelines, 2015. Collection method: clinical testing. Allele origin: germline.
Comment: This variant causes an A to C nucleotide substitution at the +4 position of intron 11/43 of the CACNA1S gene. To our knowledge, functional studies have not been reported for this variant. This variant has not been reported in individuals affected with CACNA1S-related disorders in the literature. This variant has been identified in 2/249566 chromosomes in the general population by the Genome Aggregation Database (gnomAD). The available evidence is insufficient to determine the role of this variant in disease conclusively. Therefore, this variant is classified as a Variant of Uncertain Significance.

Fulgent Genetics
Classification: Uncertain significance for Hypokalemic periodic paralysis, type 1; Thyrotoxic periodic paralysis, susceptibility to, 1; Malignant hyperthermia, susceptibility to, 5; Congenital myopathy 18. Last evaluated: 2024-03-28. Review status: criteria provided, single submitter. Criteria: ACMG Guidelines, 2015. Collection method: clinical testing. Allele origin: germline.

NM_000069.3(CACNA1S):c.1619+4A>C

Gene: CACNA1S (calcium voltage-gated channel subunit alpha1 S; minus strand). Cytogenetic location: 1q32.1.
Variant type: single nucleotide variant.
Coding change: c.1619+4A>C on transcript NM_000069.3 (MANE Select); 4 bases into the intron after coding-DNA position 1619, A replaced by C.
Molecular consequence: intron variant.
Genome position (GRCh38, 1-based): chr1:201,077,875, T>G on the plus strand (A>C on the coding strand, the complement: CACNA1S is on the minus strand). VCF-style: chr1-201077875-T-G. GRCh37 (hg19) VCF-style: chr1-201047003-T-G.
Identifiers: ClinVar variation 3577535 (VCV003577535.2).